The following is an entry in ClinVar:

NM_001211.6(BUB1B):c.3017A>T (p.Glu1006Val)

Genes: BUB1B (BUB1 mitotic checkpoint serine/threonine kinase B; plus strand), BUB1B-PAK6 (BUB1B-PAK6 readthrough; plus strand). Cytogenetic location: 15q15.1.
Variant type: single nucleotide variant.
Coding change: c.3017A>T on transcript NM_001211.6 (MANE Select); coding-DNA position 3017, A replaced by T.
Protein change: p.Glu1006Val; replaces glutamic acid 1006 with valine.
Molecular consequence: missense variant. On other transcripts: intron variant (2).
Genome position (GRCh38, 1-based): chr15:40,220,623, A>T. VCF-style: chr15-40220623-A-T. GRCh37 (hg19) VCF-style: chr15-40512824-A-T.
Other names: c.-201+2956A>T (NM_001128628.3); c.-118+2956A>T (NM_001128629.3); short protein forms E1006V.
Identifiers: ClinVar variation 4824230 (VCV004824230.1).
Genomic context (GRCh38, chr15:40,220,623, plus strand): 5'-GGCTAAAAGATGGTGAATTGTGGAATAAATTCTTTGTGCGGATTCTGAATGCCAATGATG[A>T]GGCCACAGTGTCTGTTCTTGGGGAGCTTGCAGCAGAAATGAATGGGGTTTTTGACACTAC-3'
Protein context (NP_001202.5, residues 996-1016): FFVRILNAND[Glu1006Val]ATVSVLGELA

ClinVar aggregate classification (germline): Uncertain significance (1 of 4 stars; one submission).

Conditions:
Inborn genetic diseases. Identifiers: MedGen C0950123, MeSH D030342.

Submission:

Ambry Genetics
Classification: Uncertain significance for Inborn genetic diseases. Last evaluated: 2026-01-15. Review status: criteria provided, single submitter. Criteria: Ambry Variant Classification Scheme 2023. Collection method: clinical testing. Allele origin: germline.
Comment: The p.E1006V variant (also known as c.3017A>T), located in coding exon 23 of the BUB1B gene, results from an A to T substitution at nucleotide position 3017. The glutamic acid at codon 1006 is replaced by valine, an amino acid with dissimilar properties. This amino acid position is conserved. In addition, this alteration is predicted to be tolerated by in silico analysis. Based on the available evidence, the clinical significance of this variant remains unclear.